The following is an entry in ClinVar:

NM_001879.6(MASP1):c.1744G>A (p.Ala582Thr)

Gene: MASP1 (MBL associated serine protease 1; minus strand). Cytogenetic location: 3q27.3.
Variant type: single nucleotide variant.
Coding change: c.1744G>A on transcript NM_001879.6 (MANE Plus Clinical); coding-DNA position 1744, G replaced by A.
Protein change: p.Ala582Thr; replaces alanine 582 with threonine.
Molecular consequence: missense variant.
Genome position (GRCh38, 1-based): chr3:187,223,192, C>T on the plus strand (G>A on the coding strand, the complement: MASP1 is on the minus strand). VCF-style: chr3-187223192-C-T. GRCh37 (hg19) VCF-style: chr3-186940980-C-T.
Other names: short protein forms A582T.
Identifiers: ClinVar variation 2654345 (VCV002654345.22), dbSNP rs900722298, ClinGen allele CA89663809.
Genomic context (GRCh38, chr3:187,223,192, plus strand): 5'-TCAGGGTCTCTGGGAACCTTTGCAAGAACTGCTTCCCCCAGCCGCTGACGATGACCATGG[C>T]TCCTGGAGGAGAGAAGATACTGTGAGAACAGAGAAGCTATCTGTGGGGTGTTTGGAGGGG-3'
Protein context (NP_001870.3, residues 572-592): CLPEGPQQEG[Ala582Thr]MVIVSGWGKQ

ClinVar aggregate classification (germline): Likely benign (1 of 4 stars; one submission).

Allele frequency attached by ClinVar (database versions not stated): TOPMed 0.00001; gnomAD exomes 0.00001.
gnomAD v4.1: 8 of 1,614,030 alleles (0.0005%); highest among the groups gnomAD compares: Non-Finnish European, 0.00059%; no homozygotes.

Submission:

CeGaT Center for Human Genetics Tuebingen
Classification: Likely benign. Last evaluated: 2022-09-01. Review status: criteria provided, single submitter. Criteria: CeGaT Center For Human Genetics Tuebingen Variant Classification Criteria Version 2. Collection method: clinical testing. Allele origin: germline. Affected: yes. Observed: 1 variant allele.
Comment: MASP1: BP4